The following is an entry in ClinVar:

NM_001429.4(EP300):c.7181G>A (p.Gly2394Glu)

Gene: EP300 (E1A binding protein p300; plus strand). Cytogenetic location: 22q13.2.
Variant type: single nucleotide variant.
Coding change: c.7181G>A on transcript NM_001429.4 (MANE Select); coding-DNA position 7181, G replaced by A.
Protein change: p.Gly2394Glu; replaces glycine 2394 with glutamic acid.
Molecular consequence: missense variant.
Genome position (GRCh38, 1-based): chr22:41,178,892, G>A. VCF-style: chr22-41178892-G-A. GRCh37 (hg19) VCF-style: chr22-41574896-G-A.
Other names: c.7103G>A, p.Gly2368Glu (NM_001362843.2); short protein forms G2368E, G2394E.
Identifiers: ClinVar variation 3348139 (VCV003348139.1).
Genomic context (GRCh38, chr22:41,178,892, plus strand): 5'-CTCAGCTTGCTAGCAATCCAGGCATGGCAAACCTCCATGGTGCAAGCGCCACGGACCTGG[G>A]ACTCAGCACCGATAACTCAGACTTGAATTCAAACCTCTCACAGAGTACACTAGACATACA-3'
Protein context (NP_001420.2, residues 2384-2404): NLHGASATDL[Gly2394Glu]LSTDNSDLNS

ClinVar aggregate classification (germline): Uncertain significance (0 of 4 stars; one submission).

Conditions:
EP300-related disorder. Also called: EP300-related disorders; EP300-related condition.

Submission:

PreventionGenetics, part of Exact Sciences
Classification: Uncertain significance for EP300-related condition. Last evaluated: 2024-01-02. Review status: no assertion criteria provided. Collection method: clinical testing. Allele origin: germline.
Comment: The EP300 c.7181G>A variant is predicted to result in the amino acid substitution p.Gly2394Glu. To our knowledge, this variant has not been reported in the literature or in a large population database, indicating this variant is rare. At this time, the clinical significance of this variant is uncertain due to the absence of conclusive functional and genetic evidence.